The following is an entry in ClinVar:

NM_000138.5(FBN1):c.6896del (p.Pro2299fs)

Gene: FBN1 (fibrillin 1; minus strand). Cytogenetic location: 15q21.1.
Variant type: Deletion.
Coding change: c.6896del on transcript NM_000138.5 (MANE Select); coding-DNA position 6896, one base deleted (C; older notation c.6896delC).
Protein change: p.Pro2299fs; shifts the reading frame from proline 2299.
Molecular consequence: frameshift variant.
Genome position (GRCh38, 1-based): chr15:48,428,447, G deleted on the plus strand (C on the coding strand, the reverse complement: FBN1 is on the minus strand); the first of 2 consecutive G bases (chr15:48,428,447-48,428,448); deleting either gives the same sequence. VCF-style (leftmost placement, unchanged base first): chr15-48428446-TG-T. GRCh37 (hg19) VCF-style: chr15-48720643-TG-T.
Other names: short protein forms P2299fs.
Identifiers: ClinVar variation 1381472 (VCV001381472.6), dbSNP rs2141230021, ClinGen allele CA2573150972.
Genomic context (GRCh38, chr15:48,428,446, plus strand): 5'-ATTACACTCACAGGTGTAGCTCCCACGGGTGTTGAGGCAGCGCCCATTCTCACAGATCCC[TG>T]GCTTCGTCTGACATTCATTCTCATCTGTTTGATTTTATTGAAGGACCAAAAACAAGAAGA-3'

ClinVar aggregate classification (germline): Pathogenic (1 of 4 stars; one submission).

Conditions:
Marfan syndrome (MFS). Also called: Marfan syndrome type 1; Marfan's syndrome; FBN1-Related Marfan Syndrome; MARFAN SYNDROME, TYPE I; Marfan syndrome, classic. Identifiers: Orphanet 284963, Orphanet 558, MedGen C0024796, MONDO:0007947, OMIM 154700.
Familial thoracic aortic aneurysm and aortic dissection (TAAD). Also called: Thoracic aortic aneurysms and dissections. Identifiers: Orphanet 91387, MedGen C4707243, MONDO:0019625.

Submission:

Labcorp Genetics (formerly Invitae), Labcorp
Classification: Pathogenic for Marfan syndrome; Familial thoracic aortic aneurysm and aortic dissection. Last evaluated: 2021-03-23. Review status: criteria provided, single submitter. Criteria: Invitae Variant Classification Sherloc (09022015). Collection method: clinical testing. Allele origin: germline.
Comment: This sequence change creates a premature translational stop signal (p.Pro2299Glnfs*99) in the FBN1 gene. It is expected to result in an absent or disrupted protein product. Loss-of-function variants in FBN1 are known to be pathogenic (PMID: 17657824, 19293843). For these reasons, this variant has been classified as Pathogenic. This variant has not been reported in the literature in individuals with FBN1-related conditions. This variant is not present in population databases (ExAC no frequency).

Literature cited by the submitters: PubMed 17657824; PubMed 19293843.